The following is an entry in ClinVar:

NM_000368.5(TSC1):c.2046_2050del (p.Pro683fs)

Gene: TSC1 (TSC complex subunit 1; minus strand). Cytogenetic location: 9q34.13.
Variant type: Deletion.
Coding change: c.2046_2050del on transcript NM_000368.5 (MANE Select); coding-DNA positions 2046 to 2050, 5 bases deleted (TCCTC; older notation c.2046_2050delTCCTC).
Protein change: p.Pro683fs; shifts the reading frame from proline 683.
Molecular consequence: frameshift variant.
Genome position (GRCh38, 1-based): chr9:132,903,809-132,903,813, GAGGA deleted on the plus strand (TCCTC on the coding strand, the reverse complement: TSC1 is on the minus strand); deleting any 5 consecutive bases within chr9:132,903,809-132,903,816 gives the same sequence; the c. name uses the placement nearest the transcript's 3' end. VCF-style (leftmost placement, unchanged base first): chr9-132903808-GGAGGA-G. GRCh37 (hg19) VCF-style: chr9-135779195-GGAGGA-G.
Other names: c.2043_2047del, p.Pro682fs (NM_001162426.2); c.1893_1897del, p.Pro632fs (NM_001162427.2); c.1683_1687del, p.Pro562fs (NM_001362177.2); short protein forms P562fs, P683fs, P632fs, P682fs.
Identifiers: ClinVar variation 1386491 (VCV001386491.6), dbSNP rs2131774414, ClinGen allele CA2573144249.
Genomic context (GRCh38, chr9:132,903,808, plus strand): 5'-TAGAGTAACTGGTTGTGCAGTAAAAGCAACTGGTCTCGGAGGGTGCGGATCTCATCTGAA[GGAGGA>G]GAGCCTGATTGTAAAGCAGAGGGAGGGTGGCAGAAATGCCTTTTACAGATGGTTCAATCA-3'

ClinVar aggregate classification (germline): Pathogenic (1 of 4 stars; one submission).

Conditions:
Tuberous sclerosis 1 (TSC1). Identifiers: Orphanet 805, MedGen C1854465, MONDO:0008612, OMIM 191100.

Submission:

Labcorp Genetics (formerly Invitae), Labcorp
Classification: Pathogenic for Tuberous sclerosis 1. Last evaluated: 2021-02-22. Review status: criteria provided, single submitter. Criteria: Invitae Variant Classification Sherloc (09022015). Collection method: clinical testing. Allele origin: germline.
Comment: For these reasons, this variant has been classified as Pathogenic. This variant has not been reported in the literature in individuals with TSC1-related conditions. This variant is not present in population databases (ExAC no frequency). This sequence change creates a premature translational stop signal (p.Pro683Phefs*3) in the TSC1 gene. It is expected to result in an absent or disrupted protein product. Loss-of-function variants in TSC1 are known to be pathogenic (PMID: 10227394, 17304050).

Literature cited by the submitters: PubMed 10227394; PubMed 17304050.